The following is an entry in ClinVar:

ClinVar aggregate classification (germline): Likely benign (1 of 4 stars; one submission).

Allele frequency attached by ClinVar (database versions not stated): TOPMed 0.00003; gnomAD 0.00007; ExAC 0.00010; gnomAD exomes 0.00010.
gnomAD v4.1: 151 of 1,613,782 alleles (0.0094%); highest among the groups gnomAD compares: South Asian, 0.037%; no homozygotes.

Submission:

CeGaT Center for Human Genetics Tuebingen
Classification: Likely benign. Last evaluated: 2023-04-01. Review status: criteria provided, single submitter. Criteria: CeGaT Center For Human Genetics Tuebingen Variant Classification Criteria Version 2. Collection method: clinical testing. Allele origin: germline. Affected: yes. Observed: 1 variant allele.
Comment: RUNX1T1: BP4, BP7

NM_175634.3(RUNX1T1):c.273C>T (p.Pro91=)

Gene: RUNX1T1 (RUNX1 partner transcriptional co-repressor 1; minus strand). Cytogenetic location: 8q21.3.
Variant type: single nucleotide variant.
Coding change: c.273C>T on transcript NM_175634.3 (MANE Select); coding-DNA position 273, C replaced by T.
Protein change: p.Pro91=; no amino-acid change (proline 91 retained).
Molecular consequence: synonymous variant.
Genome position (GRCh38, 1-based): chr8:92,014,774, G>A on the plus strand (C>T on the coding strand, the complement: RUNX1T1 is on the minus strand). VCF-style: chr8-92014774-G-A. GRCh37 (hg19) VCF-style: chr8-93027002-G-A.
Other names: c.192C>T, p.Pro64= (NM_001198625.2, NM_001198632.2, NM_004349.4); c.273C>T, p.Pro91= (NM_001198626.2, NM_001198627.2, NM_001198628.2 and 3 more transcripts); c.213C>T, p.Pro71= (NM_001198633.2); c.306C>T, p.Pro102= (NM_001198634.2); c.450C>T, p.Pro150= (NM_001198679.3); c.357C>T, p.Pro119= (NM_001395209.1); c.162C>T, p.Pro54= (NM_175635.3, NM_175636.2).
Identifiers: ClinVar variation 2658687 (VCV002658687.24), dbSNP rs762525955, ClinGen allele CA4806175.